The following is an entry in ClinVar:

ClinVar aggregate classification (germline): Pathogenic (1 of 4 stars; one submission).

Conditions:
Jeune thoracic dystrophy. Also called: Short-rib thoracic dysplasia; Jeune syndrome; Infantile thoracic dystrophy; Thoracic pelvic phalangeal dystrophy; Jeune's syndrome; Chondroectodermal dysplasia-like syndrome. Identifiers: Orphanet 474, MedGen C0265275, MONDO:0018770.

Allele frequency attached by ClinVar (database versions not stated): gnomAD exomes below 0.00001.

Submission:

Labcorp Genetics (formerly Invitae), Labcorp
Classification: Pathogenic for Jeune thoracic dystrophy. Last evaluated: 2023-02-11. Review status: criteria provided, single submitter. Criteria: Invitae Variant Classification Sherloc (09022015). Collection method: clinical testing. Allele origin: germline.
Comment: For these reasons, this variant has been classified as Pathogenic. This variant has not been reported in the literature in individuals affected with DYNC2H1-related conditions. This variant is not present in population databases (gnomAD no frequency). This sequence change creates a premature translational stop signal (p.Trp2129*) in the DYNC2H1 gene. It is expected to result in an absent or disrupted protein product. Loss-of-function variants in DYNC2H1 are known to be pathogenic (PMID: 23339108, 32753734).

Literature cited by the submitters: PubMed 23339108; PubMed 32753734.

NM_001377.3(DYNC2H1):c.6386_6393del (p.Ser2128_Trp2129insTer)

Gene: DYNC2H1 (dynein cytoplasmic 2 heavy chain 1; plus strand). Cytogenetic location: 11q22.3.
Variant type: Deletion.
Coding change: c.6386_6393del on transcript NM_001377.3 (MANE Select); coding-DNA positions 6386 to 6393, 8 bases deleted (GGTTGAGG; older notation c.6386_6393delGGTTGAGG).
Protein change: p.Ser2128_Trp2129insTer.
Molecular consequence: nonsense.
Genome position (GRCh38, 1-based): chr11:103,181,795-103,181,802, GGTTGAGG deleted. VCF-style (leftmost placement, unchanged base first): chr11-103181794-TGGTTGAGG-T. GRCh37 (hg19) VCF-style: chr11-103052523-TGGTTGAGG-T.
Other names: c.6386_6393del, p.Ser2128_Trp2129insTer (NM_001080463.2).
Identifiers: ClinVar variation 2836387 (VCV002836387.3), dbSNP rs2496256527, ClinGen allele CA2615745623.